The following is an entry in ClinVar:

ClinVar aggregate classification (germline): Likely pathogenic (1 of 4 stars; one submission).

Conditions:
Hereditary pheochromocytoma and paraganglioma. Also called: Hereditary Paraganglioma-Pheochromocytoma Syndromes; Hereditary pheochromocytoma-paraganglioma; Hereditary paragangliomas and pheochromocytomas. Identifiers: Orphanet 29072, MedGen C4274332, MONDO:0017366.

Submission:

Women's Health and Genetics/Laboratory Corporation of America, LabCorp
Classification: Likely pathogenic for Hereditary pheochromocytoma and paraganglioma. Last evaluated: 2023-10-25. Review status: criteria provided, single submitter. Criteria: LabCorp Variant Classification Summary - May 2015. Collection method: clinical testing. Allele origin: germline.
Comment: Variant summary: TMEM127 c.560C>G (p.Ser187X) results in a premature termination codon, predicted to cause a truncation of the encoded protein, which would disrupt the C-terminus of the TMEM127 protein. A C-terminal motif from AA 192238, that is required for TMEM127 internalization from the plasma memebrane falls in the downtream of the current variant (PMID: 32575117). At-least one frame-shifting variant downstream of this position has been classified as likely pathogenic in ClinVar (c.570del (p.Thr191fs), ClinVar ID: 486549). The variant was absent in 251456 control chromosomes. c.560C>G has been reported in the literature in at-least one individual affected with childhood onset Ewing Sarcoma (example, Fiala_2021). These data indicate that the variant is likely to be associated with Hereditary Paraganglioma-Pheochromocytoma Syndrome or other TMEM127-related conditions. To our knowledge, no experimental evidence demonstrating an impact on protein function has been reported. The following publication have been ascertained in the context of this evaluation (PMID: 34308366). No submitters have cited clinical-significance assessments for this variant to ClinVar after 2014. Based on the evidence outlined above, the variant was classified as likely pathogenic.

Literature cited by the submitters: PubMed 34308366.

NM_017849.4(TMEM127):c.560C>G (p.Ser187Ter)

Gene: TMEM127 (transmembrane protein 127; minus strand). Cytogenetic location: 2q11.2.
Variant type: single nucleotide variant.
Coding change: c.560C>G on transcript NM_017849.4 (MANE Select); coding-DNA position 560, C replaced by G.
Protein change: p.Ser187Ter; replaces serine 187 with a stop codon.
Molecular consequence: nonsense.
Genome position (GRCh38, 1-based): chr2:96,253,965, G>C on the plus strand (C>G on the coding strand, the complement: TMEM127 is on the minus strand). VCF-style: chr2-96253965-G-C. GRCh37 (hg19) VCF-style: chr2-96919703-G-C.
Other names: c.560C>G, p.Ser187Ter (NM_001193304.3); c.308C>G, p.Ser103Ter (NM_001407282.1, NM_001407283.1); short protein forms S103*, S187*.
Identifiers: ClinVar variation 2637471 (VCV002637471.1), dbSNP rs1684147520, ClinGen allele CA347652359.